The following is an entry in ClinVar:

ClinVar aggregate classification (germline): Conflicting classifications of pathogenicity. Review status: criteria provided, conflicting classifications (1 of 4 stars). 2 submissions from 2 submitters: Uncertain significance (1); Likely benign (1). Last evaluated 2024-11-09.

Conditions:
Hereditary cancer-predisposing syndrome. Also called: Hereditary Cancer Syndrome; Neoplastic Syndromes, Hereditary; Tumor predisposition; Hereditary neoplastic syndrome. Identifiers: Orphanet 140162, MedGen C0027672, MeSH D009386, MONDO:0015356.
Hereditary breast ovarian cancer syndrome. Also called: BRCA1- and BRCA2-Associated Hereditary Breast and Ovarian Cancer; Hereditary breast and ovarian cancer syndrome (HBOC); Hereditary breast and/or ovarian cancer syndrome; Hereditary breast and ovarian cancer syndrome; Breast and ovarian cancer; Hereditary breast and ovarian cancer. Identifiers: Orphanet 145, MedGen C0677776, MeSH D061325, MONDO:0003582. Disease mechanism: loss of function.

Submissions (2):

Ambry Genetics
Classification: Likely benign for Hereditary cancer-predisposing syndrome. Last evaluated: 2024-11-09. Review status: criteria provided, single submitter. Criteria: Ambry Variant Classification Scheme 2023. Collection method: clinical testing. Allele origin: germline.

Labcorp Genetics (formerly Invitae), Labcorp
Classification: Uncertain significance for Hereditary breast ovarian cancer syndrome. Last evaluated: 2023-03-19. Review status: criteria provided, single submitter. Criteria: Invitae Variant Classification Sherloc (09022015). Collection method: clinical testing. Allele origin: germline.
Comment: This sequence change replaces glutamic acid, which is acidic and polar, with aspartic acid, which is acidic and polar, at codon 1345 of the BRCA1 protein (p.Glu1345Asp). This variant is not present in population databases (gnomAD no frequency). This variant has not been reported in the literature in individuals affected with BRCA1-related conditions. Advanced modeling of protein sequence and biophysical properties (such as structural, functional, and spatial information, amino acid conservation, physicochemical variation, residue mobility, and thermodynamic stability) performed at Invitae indicates that this missense variant is not expected to disrupt BRCA1 protein function. In summary, the available evidence is currently insufficient to determine the role of this variant in disease. Therefore, it has been classified as a Variant of Uncertain Significance.

NM_007294.4(BRCA1):c.4035A>T (p.Glu1345Asp)

Genes: BRCA1 (BRCA1 DNA repair associated; minus strand), LOC126862571 (BRD4-independent group 4 enhancer GRCh37_chr17:41243136-41244335; plus strand). Cytogenetic location: 17q21.31.
Variant type: single nucleotide variant.
Coding change: c.4035A>T on transcript NM_007294.4 (MANE Select); coding-DNA position 4035, A replaced by T.
Protein change: p.Glu1345Asp; replaces glutamic acid 1345 with aspartic acid.
Molecular consequence: missense variant. On other transcripts: intron variant (135).
Genome position (GRCh38, 1-based): chr17:43,091,496, T>A on the plus strand (A>T on the coding strand, the complement: BRCA1 is on the minus strand). VCF-style: chr17-43091496-T-A. GRCh37 (hg19) VCF-style: chr17-41243513-T-A.
Other names: c.3822A>T, p.Glu1274Asp (NM_001407571.1, NM_001407853.1, NM_001407894.1 and 9 more transcripts); c.4035A>T, p.Glu1345Asp (NM_001407581.1, NM_001407582.1, NM_001407583.1 and 30 more transcripts); c.4032A>T, p.Glu1344Asp (NM_001407587.1, NM_001407590.1, NM_001407591.1 and 22 more transcripts); c.4026A>T, p.Glu1342Asp (NM_001407646.1, NM_001407647.1); c.3912A>T, p.Glu1304Asp (NM_001407648.1, NM_001407664.1, NM_001407665.1 and 19 more transcripts); c.3909A>T, p.Glu1303Asp (NM_001407649.1, NM_001407670.1, NM_001407671.1 and 11 more transcripts); c.3957A>T, p.Glu1319Asp (NM_001407653.1, NM_001407654.1, NM_001407655.1 and 4 more transcripts); c.3954A>T, p.Glu1318Asp (NM_001407659.1, NM_001407660.1, NM_001407661.1 and 1 more transcripts); and 41 more; short protein forms E1049D, E1177D, E1217D, E1234D, E1275D, E1277D, E1278D, E1298D.
Identifiers: ClinVar variation 3009099 (VCV003009099.4), dbSNP rs2552111076, ClinGen allele CA10593888.
Genomic context (GRCh38, chr17:43,091,496, plus strand): 5'-TAAGTTTGAATCCATGCTTTGCTCTTCTTGATTATTTTCTTCCAAGCCCGTTCCTCTTTC[T>A]TCATCATCTGAAACCAATTCCTTGTCACTCAGACCAACTCCCTGGCTTTCAGACTGATGC-3'
Protein context (NP_009225.1, residues 1335-1355): LSDKELVSDD[Glu1345Asp]ERGTGLEENN